The following is an entry in ClinVar:

NM_133379.5(TTN):c.13045C>A (p.Pro4349Thr)

Gene: TTN (titin; minus strand). Cytogenetic location: 2q31.2.
Variant type: single nucleotide variant.
Coding change: c.13045C>A on transcript NM_133379.5; coding-DNA position 13045, C replaced by A.
Protein change: p.Pro4349Thr; replaces proline 4349 with threonine.
Molecular consequence: missense variant. On other transcripts: intron variant (6).
Genome position (GRCh38, 1-based): chr2:178,749,355, G>T on the plus strand (C>A on the coding strand, the complement: TTN is on the minus strand). VCF-style: chr2-178749355-G-T. GRCh37 (hg19) VCF-style: chr2-179614082-G-T.
Other names: p.P4349T:CCC>ACC; c.10222+3769C>A (NM_003319.4); c.10798+3769C>A (NM_133437.4); c.10597+3769C>A (NM_133432.3); c.10360+3769C>A (NM_133378.4, NM_001256850.1); c.11311+3769C>A (NM_001267550.2); c.13045C>A (NM_133379.4); short protein forms P4349T.
Identifiers: ClinVar variation 166265 (VCV000166265.34), dbSNP rs140064945, ClinGen allele CA179112.

ClinVar aggregate classification (germline): Likely benign. Review status: criteria provided, multiple submitters, no conflicts (2 of 4 stars). 8 submissions from 8 submitters: Likely benign (7). 1 of the submissions does not count toward it. Last evaluated 2025-07-24.

Conditions:
TTN-related disorder. Also called: TTN-related disorders; TTN-related condition; TTN-related disease.
Hypertrophic cardiomyopathy 9. Also called: Familial hypertrophic cardiomyopathy 9. Identifiers: MedGen C1861065, MONDO:0013412, OMIM 613765.
Dilated cardiomyopathy 1G (CMD1G). Identifiers: Orphanet 154, MedGen C1858763, MONDO:0011400, OMIM 604145.
Myopathy, myofibrillar, 9, with early respiratory failure (MFM9). Also called: Hereditary myopathy with early respiratory failure; MYOPATHY, PROXIMAL, WITH EARLY RESPIRATORY MUSCLE INVOLVEMENT; EDSTROM MYOPATHY; Myopathy, distal, with early respiratory failure, autosomal dominant. Identifiers: Orphanet 178464, Orphanet 34521, MedGen C1863599, MONDO:0011362, OMIM 603689.
Autosomal recessive limb-girdle muscular dystrophy type 2J (LGMDR10). Also called: Limb-girdle muscular dystrophy, type 2J; MUSCULAR DYSTROPHY, LIMB-GIRDLE, AUTOSOMAL RECESSIVE 10. Identifiers: Orphanet 140922, MedGen C1837342, MONDO:0012127, OMIM 608807.
Tibial muscular dystrophy (TMD). Also called: UDD MYOPATHY; Tibial muscular dystrophy, tardive; Udd Distal Myopathy – Tibial Muscular Dystrophy. Identifiers: Orphanet 609, MedGen C1838244, MONDO:0010870, OMIM 600334.
Early-onset myopathy with fatal cardiomyopathy (CMYO5). Also called: CONGENITAL MYOPATHY 5 WITH CARDIOMYOPATHY; Salih Myopathy. Identifiers: Orphanet 289377, MedGen C2673677, MONDO:0012714, OMIM 611705. Disease mechanism: loss of function.

Allele frequency attached by ClinVar (database versions not stated): gnomAD exomes 0.00010 and 0.00025; ExAC 0.00027; gnomAD 0.00086 and 0.00089; TOPMed 0.00107; ESP Exome Variant Server 0.00138; 1000 Genomes Project 30x 0.00187; 1000 Genomes Project 0.00200.
gnomAD v4.1: 283 of 1,612,822 alleles (0.018%); highest among the groups gnomAD compares: African/African-American, 0.33%; 2 homozygotes.

Submissions (8):

Molecular Diagnostic Laboratory for Inherited Cardiovascular Disease, Montreal Heart Institute
Classification: Likely benign. Last evaluated: 2025-07-24. Review status: criteria provided, single submitter. Criteria: ACMG Guidelines, 2015. Collection method: clinical testing. Allele origin: germline. Affected: no.
Comment: BS1;BP1

CeGaT Center for Human Genetics Tuebingen
Classification: Likely benign. Last evaluated: 2024-04-01. Review status: criteria provided, single submitter. Criteria: CeGaT Center For Human Genetics Tuebingen Variant Classification Criteria Version 2. Collection method: clinical testing. Allele origin: germline. Affected: yes. Observed: 1 variant allele.
Comment: TTN: BP4

Blueprint Genetics
Classification: Likely benign. Last evaluated: 2023-10-06. Review status: criteria provided, single submitter. Criteria: ACMG Guidelines, 2015. Collection method: clinical testing. Allele origin: germline.

Fulgent Genetics
Classification: Likely benign for Tibial muscular dystrophy; Myopathy, myofibrillar, 9, with early respiratory failure; Dilated cardiomyopathy 1G; Autosomal recessive limb-girdle muscular dystrophy type 2J; Early-onset myopathy with fatal cardiomyopathy; Hypertrophic cardiomyopathy 9. Last evaluated: 2021-08-12. Review status: criteria provided, single submitter. Criteria: ACMG Guidelines, 2015. Collection method: clinical testing. Allele origin: unknown.

GeneDx
Classification: Likely benign. Last evaluated: 2019-10-24. Review status: criteria provided, single submitter. Criteria: GeneDx Variant Classification Process June 2021. Collection method: clinical testing. Allele origin: germline. Affected: yes.

Eurofins Ntd Llc (ga)
Classification: Likely benign. Last evaluated: 2017-01-26. Review status: criteria provided, single submitter. Criteria: EGL Classification Definitions 2015. Collection method: clinical testing. Allele origin: germline. Observed: 1 variant allele, 1 heterozygote.

Laboratory for Molecular Medicine, Mass General Brigham Personalized Medicine
Classification: Likely benign. Last evaluated: 2012-03-19. Review status: criteria provided, single submitter. Criteria: LMM Criteria. Collection method: clinical testing. Allele origin: germline. Observed: 1 variant allele.
Comment: Pro4349Thr in exon 45A of TTN: This variant is not expected to have clinical sig nificance because it has been identified in 0.4% (16/3738) of African American c hromosomes from a broad population by the NHLBI Exome Sequencing Project (dbSNP rs140064945).

PreventionGenetics, part of Exact Sciences
Classification: Likely benign for TTN-related condition. Last evaluated: 2024-09-15. Review status: no assertion criteria provided. Collection method: clinical testing. Allele origin: germline. Not counted in ClinVar's aggregate classification.
Comment: This variant is classified as likely benign based on ACMG/AMP sequence variant interpretation guidelines (Richards et al. 2015 PMID: 25741868, with internal and published modifications).